The following is an entry in ClinVar:

ClinVar aggregate classification (germline): Pathogenic (1 of 4 stars; one submission).

Conditions:
Gastrointestinal stromal tumor. Also called: Gastrointestinal stroma tumor; Gastrointestinal stromal tumor, somatic. Identifiers: Orphanet 44890, MedGen C0238198, MeSH D046152, MONDO:0011719, OMIM 606764, HP:0100723.

Allele frequency attached by ClinVar (database versions not stated): TOPMed below 0.00001.

Submission:

Labcorp Genetics (formerly Invitae), Labcorp
Classification: Pathogenic for Gastrointestinal stromal tumor. Last evaluated: 2021-11-17. Review status: criteria provided, single submitter. Criteria: Invitae Variant Classification Sherloc (09022015). Collection method: clinical testing. Allele origin: germline.
Comment: Algorithms developed to predict the effect of sequence changes on RNA splicing suggest that this variant may create or strengthen a splice site. This sequence change creates a premature translational stop signal (p.Gln694*) in the KIT gene. It is expected to result in an absent or disrupted protein product. Loss-of-function variants in KIT are known to be pathogenic (PMID: 15194144). This variant is not present in population databases (gnomAD no frequency). This variant has not been reported in the literature in individuals affected with KIT-related conditions. For these reasons, this variant has been classified as Pathogenic.

Literature cited by the submitters: PubMed 15194144.

NM_000222.3(KIT):c.2080C>T (p.Gln694Ter)

Gene: KIT (KIT proto-oncogene, receptor tyrosine kinase; plus strand). Cytogenetic location: 4q12.
Variant type: single nucleotide variant.
Coding change: c.2080C>T on transcript NM_000222.3 (MANE Select); coding-DNA position 2080, C replaced by T.
Protein change: p.Gln694Ter; replaces glutamine 694 with a stop codon.
Molecular consequence: nonsense.
Genome position (GRCh38, 1-based): chr4:54,729,424, C>T. VCF-style: chr4-54729424-C-T. GRCh37 (hg19) VCF-style: chr4-55595590-C-T.
Other names: c.2068C>T, p.Gln690Ter (NM_001093772.2, NM_001385286.1); c.2083C>T, p.Gln695Ter (NM_001385284.1, NM_001385290.1); c.2080C>T, p.Gln694Ter (NM_001385285.1); c.2071C>T, p.Gln691Ter (NM_001385288.1, NM_001385292.1); short protein forms Q694*, Q690*, Q691*, Q695*.
Identifiers: ClinVar variation 1450203 (VCV001450203.6), dbSNP rs1722443590, ClinGen allele CA356909657.